The following is an entry in ClinVar:

ClinVar aggregate classification (germline): Likely pathogenic (1 of 4 stars; one submission).

Conditions:
Glycine encephalopathy. Also called: Non-ketotic hyperglycinemia; Nonketotic hyperglycinemia. Identifiers: Orphanet 407, MedGen C0751748, MONDO:0011612, HP:0008288.

Submission:

Myriad Genetics, Inc.
Classification: Likely pathogenic for Glycine encephalopathy 1. Last evaluated: 2022-01-24. Review status: criteria provided, single submitter. Criteria: Myriad Women's Health Autosomal Recessive and X-Linked Classification Criteria (2021). Collection method: clinical testing. Allele origin: unknown.
Comment: NM_000170.2(GLDC):c.493delC(Q165Sfs*66) is expected to be pathogenic in the context of glycine encephalopathy, GLDC-related. This variant is predicted to lead to an abnormal or absent protein product due to the creation of a premature termination codon in GLDC, a gene where loss-of-function variants are known to be pathogenic. Please note: this variant was assessed in the context of healthy population screening.

NM_000170.3(GLDC):c.493del (p.Gln165fs)

Gene: GLDC (glycine decarboxylase; minus strand). Cytogenetic location: 9p24.1.
Variant type: Deletion.
Coding change: c.493del on transcript NM_000170.3 (MANE Select); coding-DNA position 493, one base deleted (C; older notation c.493delC).
Protein change: p.Gln165fs; shifts the reading frame from glutamine 165.
Molecular consequence: frameshift variant.
Genome position (GRCh38, 1-based): chr9:6,610,334, G deleted on the plus strand (C on the coding strand, the reverse complement: GLDC is on the minus strand); the first of 2 consecutive G bases (chr9:6,610,334-6,610,335); deleting either gives the same sequence. VCF-style (leftmost placement, unchanged base first): chr9-6610333-TG-T. GRCh37 (hg19) VCF-style: chr9-6610333-TG-T.
Other names: short protein forms Q165fs.
Identifiers: ClinVar variation 1724029 (VCV001724029.2), dbSNP rs2489111102, ClinGen allele CA2580080449.
Genomic context (GRCh38, chr9:6,610,333, plus strand): 5'-TCACACACCATGGTCTGGTAGTTGAGTAAACTCTCCAGCCTCCCCTGAGACACCTCAGGC[TG>T]GTATGGAGTATACTGGGTGATCCTGCAAGGGAAACAAAAGGTCTTGTCCAAACTGACTGC-3'